The following is an entry in ClinVar:

NM_182961.4(SYNE1):c.23743G>A (p.Asp7915Asn)

Gene: SYNE1 (spectrin repeat containing nuclear envelope protein 1; minus strand). Cytogenetic location: 6q25.2.
Variant type: single nucleotide variant.
Coding change: c.23743G>A on transcript NM_182961.4 (MANE Select); coding-DNA position 23743, G replaced by A.
Protein change: p.Asp7915Asn; replaces aspartic acid 7915 with asparagine.
Molecular consequence: missense variant.
Genome position (GRCh38, 1-based): chr6:152,164,210, C>T on the plus strand (G>A on the coding strand, the complement: SYNE1 is on the minus strand). VCF-style: chr6-152164210-C-T. GRCh37 (hg19) VCF-style: chr6-152485345-C-T.
Other names: p.Asp7844Asn; c.349G>A, p.Asp117Asn (NM_001347701.2); c.208G>A, p.Asp70Asn (NM_001347702.2); c.23530G>A, p.Asp7844Asn (NM_033071.5); short protein forms D7915N, D7844N, D117N, D70N.
Identifiers: ClinVar variation 355819 (VCV000355819.20), dbSNP rs76699382, ClinGen allele CA4053375.

ClinVar aggregate classification (germline): Benign. Review status: criteria provided, multiple submitters, no conflicts (2 of 4 stars). 8 submissions from 7 submitters: Benign (6). 2 of the submissions do not count toward it. Last evaluated 2026-01-27.

Conditions:
Autosomal recessive ataxia, Beauce type. Also called: SYNE1 Deficiency; SYNE1-Related Autosomal Recessive Cerebellar Ataxia; Spinocerebellar ataxia, autosomal recessive 8; ATAXIA, RECESSIVE, OF BEAUCE. Identifiers: Orphanet 88644, MedGen C1853116, MONDO:0012549, OMIM 610743.
Emery-Dreifuss muscular dystrophy 4, autosomal dominant (EDMD4). Also called: EMERY-DREIFUSS MUSCULAR DYSTROPHY 4 WITH VARIABLE FEATURES. Identifiers: Orphanet 261, MedGen C2751807, MONDO:0013071, OMIM 612998.

Allele frequency attached by ClinVar (database versions not stated): gnomAD exomes 0.00100 and 0.00222; ExAC 0.00270; 1000 Genomes Project 0.00899; gnomAD 0.00904 and 0.00969; 1000 Genomes Project 30x 0.00984; TOPMed 0.01002; ESP Exome Variant Server 0.01046.
gnomAD v4.1: 2,896 of 1,614,160 alleles (0.18%); highest among the groups gnomAD compares: African/African-American, 3.2%; 30 homozygotes.

Submissions (8):

Labcorp Genetics (formerly Invitae), Labcorp
Classification: Benign for Emery-Dreifuss muscular dystrophy 4, autosomal dominant; Autosomal recessive ataxia, Beauce type. Last evaluated: 2026-01-27. Review status: criteria provided, single submitter. Criteria: Invitae Variant Classification Sherloc (09022015). Collection method: clinical testing. Allele origin: germline.

Athena Diagnostics
Classification: Benign. Last evaluated: 2024-06-25. Review status: criteria provided, single submitter. Criteria: Athena Diagnostics Criteria. Collection method: clinical testing. Allele origin: unknown.

Mayo Clinic Laboratories, Mayo Clinic
Classification: Benign. Last evaluated: 2018-04-12. Review status: criteria provided, single submitter. Criteria: ACMG Guidelines, 2015. Collection method: clinical testing. Allele origin: germline. Observed: 13 variant alleles.

Illumina Laboratory Services, Illumina
Classification: Benign for Autosomal recessive ataxia, Beauce type. Last evaluated: 2018-01-12. Review status: criteria provided, single submitter. Criteria: ICSL Variant Classification Criteria 13 December 2019. Collection method: clinical testing. Allele origin: germline.
Comment: This variant was observed in the ICSL laboratory as part of a predisposition screen in an ostensibly healthy population. It had not been previously curated by ICSL or reported in the Human Gene Mutation Database (HGMD: prior to June 1st, 2018), and was therefore a candidate for classification through an automated scoring system. Utilizing variant allele frequency, disease prevalence and penetrance estimates, and inheritance mode, an automated score was calculated to assess if this variant is too frequent to cause the disease. Based on the score and internal cut-off values, a variant classified as benign is not then subjected to further curation. The score for this variant resulted in a classification of benign for this disease.

Illumina Laboratory Services, Illumina
Classification: Benign for Emery-Dreifuss muscular dystrophy 4, autosomal dominant. Last evaluated: 2018-01-12. Review status: criteria provided, single submitter. Criteria: ICSL Variant Classification Criteria 13 December 2019. Collection method: clinical testing. Allele origin: germline.
Comment: the same text as in the submission from Illumina Laboratory Services, Illumina above.

GeneDx
Classification: Benign. Last evaluated: 2016-11-15. Review status: criteria provided, single submitter. Criteria: GeneDx Variant Classification (06012015). Collection method: clinical testing. Allele origin: germline. Affected: yes.
Comment: This variant is considered likely benign or benign based on one or more of the following criteria: it is a conservative change, it occurs at a poorly conserved position in the protein, it is predicted to be benign by multiple in silico algorithms, and/or has population frequency not consistent with disease.

Clinical Genetics DNA and cytogenetics Diagnostics Lab, Erasmus MC, Erasmus Medical Center
Classification: Likely benign. Review status: no assertion criteria provided. Collection method: clinical testing. Allele origin: germline. Affected: yes. Study: VKGL Data-share Consensus. Not counted in ClinVar's aggregate classification.

Genome Diagnostics Laboratory, University Medical Center Utrecht
Classification: Benign. Review status: no assertion criteria provided. Collection method: clinical testing. Allele origin: germline. Affected: yes. Study: VKGL Data-share Consensus. Not counted in ClinVar's aggregate classification.

Literature cited by the submitters: PubMed 38716726 (cited by Athena Diagnostics); PubMed 21572417 (cited by Athena Diagnostics); PubMed 34482403 (cited by Athena Diagnostics); PubMed 29487696 (cited by Athena Diagnostics); PubMed 34703030 (cited by Athena Diagnostics).